The following is an entry in ClinVar:

NM_001042492.3(NF1):c.6939del (p.Ala2314fs)

Gene: NF1 (neurofibromin 1; plus strand). Cytogenetic location: 17q11.2.
Variant type: Deletion.
Coding change: c.6939del on transcript NM_001042492.3 (MANE Select); coding-DNA position 6939, one base deleted (A; older notation c.6939delA).
Protein change: p.Ala2314fs; shifts the reading frame from alanine 2314.
Molecular consequence: frameshift variant.
Genome position (GRCh38, 1-based): chr17:31,340,522, A deleted; the last of 3 consecutive A bases (chr17:31,340,520-31,340,522); deleting any one gives the same sequence. VCF-style (leftmost placement, unchanged base first): chr17-31340519-CA-C. GRCh37 (hg19) VCF-style: chr17-29667537-CA-C.
Other names: c.6876delA (NM_000267.3); c.6876delA, p.Ala2293Profs (NM_000267.4); short protein forms A2314fs, A2293fs.
Identifiers: ClinVar variation 850595 (VCV000850595.9), dbSNP rs2069790028, ClinGen allele CA916080691.

ClinVar aggregate classification (germline): Pathogenic/Likely pathogenic. Review status: criteria provided, multiple submitters, no conflicts (2 of 4 stars). 3 submissions from 3 submitters: Pathogenic (2); Likely pathogenic (1). Last evaluated 2025-09-03.

Conditions:
Neurofibromatosis, type 1 (NF1). Also called: Neurofibromatosis, type I; VON RECKLINGHAUSEN DISEASE; Peripheral type neurofibromatosis; NEUROFIBROMATOSIS, TYPE I, SOMATIC. Identifiers: Orphanet 636, MedGen C0027831, MONDO:0018975, OMIM 162200. Disease mechanism: loss of function.

Submissions (3):

Labcorp Genetics (formerly Invitae), Labcorp
Classification: Pathogenic for Neurofibromatosis, type 1. Last evaluated: 2025-09-03. Review status: criteria provided, single submitter. Criteria: Invitae Variant Classification Sherloc (09022015). Collection method: clinical testing. Allele origin: germline.
Comment: This sequence change creates a premature translational stop signal (p.Ala2293Profs*5) in the NF1 gene. It is expected to result in an absent or disrupted protein product. Loss-of-function variants in NF1 are known to be pathogenic (PMID: 10712197, 23913538). This variant is not present in population databases (gnomAD no frequency). This variant has not been reported in the literature in individuals affected with NF1-related conditions. Invitae Evidence Modeling of clinical and family history, age, sex, and reported ancestry of multiple individuals with this NF1 variant has been performed. This variant is expected to be pathogenic with a positive predictive value of at least 99%. This is a validated machine learning model that incorporates the clinical features of 1,785,918 individuals referred to our laboratory for NF1 testing. ClinVar contains an entry for this variant (Variation ID: 850595). For these reasons, this variant has been classified as Pathogenic.

Genome-Nilou Lab
Classification: Pathogenic for Neurofibromatosis, type 1. Last evaluated: 2022-03-15. Review status: criteria provided, single submitter. Criteria: ACMG Guidelines, 2015. Collection method: clinical testing. Allele origin: germline. Affected: no.

Genome Diagnostics Laboratory, The Hospital for Sick Children
Classification: Likely pathogenic for Neurofibromatosis, type 1. Last evaluated: 2020-10-26. Review status: criteria provided, single submitter. Criteria: ACMG Guidelines, 2015. Collection method: clinical testing. Allele origin: germline. Affected: yes.

Literature cited by the submitters: PubMed 10712197 (cited by Labcorp Genetics (formerly Invitae), Labcorp); PubMed 23913538 (cited by Labcorp Genetics (formerly Invitae), Labcorp).